The following is an entry in ClinVar:

ClinVar aggregate classification (germline): Uncertain significance (1 of 4 stars; one submission).

Conditions:
Early-infantile DEE. Also called: Ohtahara syndrome; Early infantile epileptic encephalopathy; Early infantile epileptic encephalopathy with suppression bursts. Identifiers: Orphanet 1934, MedGen C0393706, MONDO:0800491.

gnomAD v4.1: 12 of 1,533,396 alleles (0.00078%); highest among the groups gnomAD compares: South Asian, 0.0036%; no homozygotes.

Submission:

Labcorp Genetics (formerly Invitae), Labcorp
Classification: Uncertain significance for Early-infantile DEE. Last evaluated: 2024-03-12. Review status: criteria provided, single submitter. Criteria: Invitae Variant Classification Sherloc (09022015). Collection method: clinical testing. Allele origin: germline.
Comment: This sequence change replaces arginine, which is basic and polar, with histidine, which is basic and polar, at codon 725 of the KCNQ2 protein (p.Arg725His). The frequency data for this variant in the population databases is considered unreliable, as metrics indicate poor data quality at this position in the gnomAD database. This variant has not been reported in the literature in individuals affected with KCNQ2-related conditions. ClinVar contains an entry for this variant (Variation ID: 1022214). An algorithm developed to predict the effect of missense changes on protein structure and function (PolyPhen-2) suggests that this variant is likely to be tolerated. In summary, the available evidence is currently insufficient to determine the role of this variant in disease. Therefore, it has been classified as a Variant of Uncertain Significance.

NM_172107.4(KCNQ2):c.2174G>A (p.Arg725His)

Gene: KCNQ2 (potassium voltage-gated channel subfamily Q member 2; minus strand). Cytogenetic location: 20q13.33.
Variant type: single nucleotide variant.
Coding change: c.2174G>A on transcript NM_172107.4 (MANE Select); coding-DNA position 2174, G replaced by A.
Protein change: p.Arg725His; replaces arginine 725 with histidine.
Molecular consequence: missense variant.
Genome position (GRCh38, 1-based): chr20:63,407,089, C>T on the plus strand (G>A on the coding strand, the complement: KCNQ2 is on the minus strand). VCF-style: chr20-63407089-C-T. GRCh37 (hg19) VCF-style: chr20-62038442-C-T.
Other names: c.2228G>A, p.Arg743His (NM_001382235.1); c.2090G>A, p.Arg697His (NM_004518.6); c.2120G>A, p.Arg707His (NM_172106.3); c.2081G>A, p.Arg694His (NM_172108.5); short protein forms R694H, R697H, R707H, R725H, R743H.
Identifiers: ClinVar variation 1022214 (VCV001022214.9), dbSNP rs775271635, ClinGen allele CA9958134.